The following is an entry in ClinVar:

ClinVar aggregate classification (germline): Uncertain significance (1 of 4 stars; one submission).

Conditions:
Neurofibromatosis, type 1 (NF1). Also called: VON RECKLINGHAUSEN DISEASE; NEUROFIBROMATOSIS, TYPE I, SOMATIC; Peripheral type neurofibromatosis; Neurofibromatosis, type I. Identifiers: Orphanet 636, MedGen C0027831, MONDO:0018975, OMIM 162200. Disease mechanism: loss of function.

Submission:

Labcorp Genetics (formerly Invitae), Labcorp
Classification: Uncertain significance for Neurofibromatosis, type 1. Last evaluated: 2023-10-12. Review status: criteria provided, single submitter. Criteria: Invitae Variant Classification Sherloc (09022015). Collection method: clinical testing. Allele origin: germline.
Comment: This sequence change replaces glycine, which is neutral and non-polar, with arginine, which is basic and polar, at codon 1977 of the NF1 protein (p.Gly1977Arg). This variant is not present in population databases (gnomAD no frequency). This variant has not been reported in the literature in individuals affected with NF1-related conditions. ClinVar contains an entry for this variant (Variation ID: 527570). Advanced modeling of protein sequence and biophysical properties (such as structural, functional, and spatial information, amino acid conservation, physicochemical variation, residue mobility, and thermodynamic stability) performed at Invitae indicates that this missense variant is expected to disrupt NF1 protein function. In summary, the available evidence is currently insufficient to determine the role of this variant in disease. Therefore, it has been classified as a Variant of Uncertain Significance.

NM_001042492.3(NF1):c.5992G>A (p.Gly1998Arg)

Gene: NF1 (neurofibromin 1; plus strand). Cytogenetic location: 17q11.2.
Variant type: single nucleotide variant.
Coding change: c.5992G>A on transcript NM_001042492.3 (MANE Select); coding-DNA position 5992, G replaced by A.
Protein change: p.Gly1998Arg; replaces glycine 1998 with arginine.
Molecular consequence: missense variant.
Genome position (GRCh38, 1-based): chr17:31,335,017, G>A. VCF-style: chr17-31335017-G-A. GRCh37 (hg19) VCF-style: chr17-29662035-G-A.
Other names: c.5929G>A, p.Gly1977Arg (NM_000267.4); short protein forms G1998R, G1977R.
Identifiers: ClinVar variation 527570 (VCV000527570.5), dbSNP rs1555534426, ClinGen allele CA399010951.